The following is an entry in ClinVar:

NM_002473.6(MYH9):c.4508G>A (p.Arg1503His)

Gene: MYH9 (myosin heavy chain 9; minus strand). Cytogenetic location: 22q12.3.
Variant type: single nucleotide variant.
Coding change: c.4508G>A on transcript NM_002473.6 (MANE Select); coding-DNA position 4508, G replaced by A.
Protein change: p.Arg1503His; replaces arginine 1503 with histidine.
Molecular consequence: missense variant.
Genome position (GRCh38, 1-based): chr22:36,289,134, C>T on the plus strand (G>A on the coding strand, the complement: MYH9 is on the minus strand). VCF-style: chr22-36289134-C-T. GRCh37 (hg19) VCF-style: chr22-36685180-C-T.
Other names: short protein forms R1503H.
Identifiers: ClinVar variation 4990111 (VCV004990111.1).

ClinVar aggregate classification (germline): Uncertain significance (1 of 4 stars; one submission).

Conditions:
MYH9-related disorder. Identifiers: MedGen C1854520.

gnomAD v4.1: 16 of 1,614,096 alleles (0.00099%); highest among the groups gnomAD compares: South Asian, 0.012%; no homozygotes.

Submission:

PreventionGenetics, part of Exact Sciences
Classification: Uncertain significance for MYH9-related condition. Last evaluated: 2025-03-13. Review status: criteria provided, single submitter. Criteria: ACMG Guidelines, 2015. Collection method: clinical testing. Allele origin: germline.
Comment: The MYH9 c.4508G>A variant is predicted to result in the amino acid substitution p.Arg1503His. To our knowledge, this variant has not been reported in the literature. This variant is reported in 0.0065% of alleles in individuals of South Asian descent in gnomAD. At this time, the clinical significance of this variant is uncertain due to the absence of conclusive functional and genetic evidence.